The following is an entry in ClinVar:

NM_001165963.4(SCN1A):c.4662C>A (p.Asn1554Lys)

Genes: SCN1A (sodium voltage-gated channel alpha subunit 1; minus strand), LOC102724058 (uncharacterized LOC102724058; plus strand). Cytogenetic location: 2q24.3.
Variant type: single nucleotide variant.
Coding change: c.4662C>A on transcript NM_001165963.4 (MANE Select); coding-DNA position 4662, C replaced by A.
Protein change: p.Asn1554Lys; replaces asparagine 1554 with lysine.
Molecular consequence: missense variant. On other transcripts: non-coding transcript variant (1).
Genome position (GRCh38, 1-based): chr2:165,994,336, G>T on the plus strand (C>A on the coding strand, the complement: SCN1A is on the minus strand). VCF-style: chr2-165994336-G-T. GRCh37 (hg19) VCF-style: chr2-166850846-G-T.
Other names: c.4578C>A, p.Asn1526Lys (NM_001165964.3, NM_001353957.2, NM_001353958.2); c.4662C>A, p.Asn1554Lys (NM_001202435.3, NM_001353948.2); c.4629C>A, p.Asn1543Lys (NM_001353949.2, NM_001353950.2, NM_001353951.2 and 2 more transcripts); c.4626C>A, p.Asn1542Lys (NM_001353954.2, NM_001353955.2); c.4575C>A, p.Asn1525Lys (NM_001353960.2); c.2220C>A, p.Asn740Lys (NM_001353961.2); short protein forms N1542K, N1554K, N740K, N1525K, N1526K, N1543K.
Identifiers: ClinVar variation 838869 (VCV000838869.11), dbSNP rs1689710741, ClinGen allele CA349072200.

ClinVar aggregate classification (germline): Conflicting classifications of pathogenicity. Review status: criteria provided, conflicting classifications (1 of 4 stars). 2 submissions from 2 submitters: Likely pathogenic (1); Uncertain significance (1). Last evaluated 2025-04-04.

Conditions:
Early-infantile DEE. Also called: Ohtahara syndrome; Early infantile epileptic encephalopathy with suppression bursts; Early infantile epileptic encephalopathy. Identifiers: Orphanet 1934, MedGen C0393706, MONDO:0800491.

Submissions (2):

GeneDx
Classification: Likely pathogenic. Last evaluated: 2025-04-04. Review status: criteria provided, single submitter. Criteria: GeneDx Variant Classification Process June 2021. Collection method: clinical testing. Allele origin: germline. Affected: yes.
Comment: Not observed at significant frequency in large population cohorts (gnomAD); In silico analysis supports that this missense variant has a deleterious effect on protein structure/function; Has not been previously published as pathogenic or benign to our knowledge; This substitution is predicted to be within the transmembrane segment S1 of the fourth homologous domain

Labcorp Genetics (formerly Invitae), Labcorp
Classification: Uncertain significance for Early-infantile DEE. Last evaluated: 2022-01-14. Review status: criteria provided, single submitter. Criteria: Invitae Variant Classification Sherloc (09022015). Collection method: clinical testing. Allele origin: germline.
Comment: Advanced modeling of protein sequence and biophysical properties (such as structural, functional, and spatial information, amino acid conservation, physicochemical variation, residue mobility, and thermodynamic stability) performed at Invitae indicates that this missense variant is expected to disrupt SCN1A protein function. This sequence change replaces asparagine, which is neutral and polar, with lysine, which is basic and polar, at codon 1554 of the SCN1A protein (p.Asn1554Lys). This variant is not present in population databases (gnomAD no frequency). This variant has not been reported in the literature in individuals affected with SCN1A-related conditions. ClinVar contains an entry for this variant (Variation ID: 838869). In summary, the available evidence is currently insufficient to determine the role of this variant in disease. Therefore, it has been classified as a Variant of Uncertain Significance.